The following is an entry in ClinVar:

NM_000528.4(MAN2B1):c.1236C>A (p.Cys412Ter)

Gene: MAN2B1 (mannosidase alpha class 2B member 1; minus strand). Cytogenetic location: 19p13.13.
Variant type: single nucleotide variant.
Coding change: c.1236C>A on transcript NM_000528.4 (MANE Select); coding-DNA position 1236, C replaced by A.
Protein change: p.Cys412Ter; replaces cysteine 412 with a stop codon.
Molecular consequence: nonsense.
Genome position (GRCh38, 1-based): chr19:12,658,136, G>T on the plus strand (C>A on the coding strand, the complement: MAN2B1 is on the minus strand). VCF-style: chr19-12658136-G-T. GRCh37 (hg19) VCF-style: chr19-12768950-G-T.
Other names: c.1233C>A, p.Cys411Ter (NM_001173498.2); short protein forms C411*, C412*.
Identifiers: ClinVar variation 1724996 (VCV001724996.2), dbSNP rs2024015975, ClinGen allele CA404247603.
Genomic context (GRCh38, chr19:12,658,136, plus strand): 5'-GTCTCCGGAGCCATAGGGTCCCACGTTGGCCGCCAGGCCCACCAGCGCCTCCAGCTGGTT[G>T]CACACCTGGAGGCAGAGGGGTATGTTGGGGCGCCCAGCCTGTCGGGCCTCGGGGCTGCAT-3'

ClinVar aggregate classification (germline): Likely pathogenic (1 of 4 stars; one submission).

Conditions:
Deficiency of alpha-mannosidase (MANSA). Also called: Mannosidosis, alpha-, types I and II; LYSOSOMAL ALPHA-D-MANNOSIDASE DEFICIENCY; Alpha-Mannosidosis. Identifiers: Orphanet 61, MedGen C0024748, MONDO:0009561, OMIM 248500.

Allele frequency attached by ClinVar (database versions not stated): gnomAD 0.00001.
gnomAD v4.1: 1 of 1,613,392 alleles (0.000062%); highest among the groups gnomAD compares: African/African-American, 0.0013%; no homozygotes.

Submission:

Myriad Genetics, Inc.
Classification: Likely pathogenic for Deficiency of alpha-mannosidase. Last evaluated: 2022-03-02. Review status: criteria provided, single submitter. Criteria: Myriad Women's Health Autosomal Recessive and X-Linked Classification Criteria (2021). Collection method: clinical testing. Allele origin: unknown.
Comment: NM_000528.3(MAN2B1):c.1236C>A(C412*) is expected to be pathogenic in the context of alpha-mannosidosis. This variant is predicted to lead to an abnormal or absent protein product due to the creation of a premature termination codon in MAN2B1, a gene where loss-of-function variants are known to be pathogenic. Please note: this variant was assessed in the context of healthy population screening.